The following is an entry in ClinVar:

ClinVar aggregate classification (germline): Uncertain significance (1 of 4 stars; one submission).

Conditions:
Joubert syndrome 21 (JBTS21). Identifiers: MedGen C3810212, MONDO:0014288, OMIM 615636.

Allele frequency attached by ClinVar (database versions not stated): gnomAD exomes 0.00001; TOPMed 0.00001.
gnomAD v4.1: 13 of 1,613,204 alleles (0.00081%); highest among the groups gnomAD compares: Middle Eastern, 0.016%; no homozygotes.

Submission:

Labcorp Genetics (formerly Invitae), Labcorp
Classification: Uncertain significance for Joubert syndrome 21. Last evaluated: 2022-09-13. Review status: criteria provided, single submitter. Criteria: Invitae Variant Classification Sherloc (09022015). Collection method: clinical testing. Allele origin: germline.
Comment: This sequence change replaces glutamic acid, which is acidic and polar, with lysine, which is basic and polar, at codon 1129 of the CSPP1 protein (p.Glu1129Lys). This variant is present in population databases (no rsID available, gnomAD 0.006%). This variant has not been reported in the literature in individuals affected with CSPP1-related conditions. Algorithms developed to predict the effect of missense changes on protein structure and function (SIFT, PolyPhen-2, Align-GVGD) all suggest that this variant is likely to be tolerated. In summary, the available evidence is currently insufficient to determine the role of this variant in disease. Therefore, it has been classified as a Variant of Uncertain Significance.

NM_001382391.1(CSPP1):c.3400G>A (p.Glu1134Lys)

Genes: ARFGEF1 (ARF guanine nucleotide exchange factor 1; minus strand), CSPP1 (centrosome and spindle pole associated protein 1; plus strand). Cytogenetic location: 8q13.2.
Variant type: single nucleotide variant.
Coding change: c.3400G>A on transcript NM_001382391.1 (MANE Select); coding-DNA position 3400, G replaced by A.
Protein change: p.Glu1134Lys; replaces glutamic acid 1134 with lysine.
Molecular consequence: missense variant. On other transcripts: intron variant (3).
Genome position (GRCh38, 1-based): chr8:67,193,533, G>A. VCF-style: chr8-67193533-G-A. GRCh37 (hg19) VCF-style: chr8-68105768-G-A.
Other names: c.2350G>A, p.Glu784Lys (NM_001291339.2); c.3319G>A, p.Glu1107Lys (NM_001363131.2); c.3205G>A, p.Glu1069Lys (NM_001363132.2); c.3124G>A, p.Glu1042Lys (NM_001363133.2); c.3466G>A, p.Glu1156Lys (NM_001364869.1); c.3286G>A, p.Glu1096Lys (NM_001364870.1); c.3232G>A, p.Glu1078Lys (NM_001438330.1); c.2701G>A, p.Glu901Lys (NM_001438332.1); and 4 more; short protein forms E1042K, E1129K, E1134K, E1156K, E1069K, E1096K, E784K, E1107K.
Identifiers: ClinVar variation 1978927 (VCV001978927.3), dbSNP rs987736040, ClinGen allele CA178218063.